The following is an entry in ClinVar:

NM_003705.5(SLC25A12):c.737T>G (p.Val246Gly)

Gene: SLC25A12 (solute carrier family 25 member 12; minus strand). Cytogenetic location: 2q31.1.
Variant type: single nucleotide variant.
Coding change: c.737T>G on transcript NM_003705.5 (MANE Select); coding-DNA position 737, T replaced by G.
Protein change: p.Val246Gly; replaces valine 246 with glycine.
Molecular consequence: missense variant. On other transcripts: non-coding transcript variant (1).
Genome position (GRCh38, 1-based): chr2:171,834,741, A>C on the plus strand (T>G on the coding strand, the complement: SLC25A12 is on the minus strand). VCF-style: chr2-171834741-A-C. GRCh37 (hg19) VCF-style: chr2-172691251-A-C.
Other names: short protein forms V246G.
Identifiers: ClinVar variation 848818 (VCV000848818.8), dbSNP rs755954046, ClinGen allele CA349620621.

ClinVar aggregate classification (germline): Uncertain significance (1 of 4 stars; one submission).

Submission:

Labcorp Genetics (formerly Invitae), Labcorp
Classification: Uncertain significance. Last evaluated: 2019-12-04. Review status: criteria provided, single submitter. Criteria: Invitae Variant Classification Sherloc (09022015). Collection method: clinical testing. Allele origin: germline.
Comment: This sequence change replaces valine with glycine at codon 246 of the SLC25A12 protein (p.Val246Gly). The valine residue is moderately conserved and there is a moderate physicochemical difference between valine and glycine. Algorithms developed to predict the effect of sequence changes on RNA splicing suggest that this variant may create or strengthen a splice site, but this prediction has not been confirmed by published transcriptional studies. This variant is not present in population databases (ExAC no frequency). This variant has not been reported in the literature in individuals with SLC25A12-related conditions. Algorithms developed to predict the effect of missense changes on protein structure and function (SIFT, PolyPhen-2, Align-GVGD) all suggest that this variant is likely to be tolerated, but these predictions have not been confirmed by published functional studies and their clinical significance is uncertain. In summary, the available evidence is currently insufficient to determine the role of this variant in disease. Therefore, it has been classified as a Variant of Uncertain Significance.